The following is an entry in ClinVar:

ClinVar aggregate classification (germline): Uncertain significance (1 of 4 stars; one submission).

Allele frequency attached by ClinVar (database versions not stated): gnomAD exomes below 0.00001.
gnomAD v4.1: 2 of 1,612,492 alleles (0.00012%); highest among the groups gnomAD compares: South Asian, 0.0022%; no homozygotes.

Submission:

Labcorp Genetics (formerly Invitae), Labcorp
Classification: Uncertain significance. Last evaluated: 2023-08-09. Review status: criteria provided, single submitter. Criteria: Invitae Variant Classification Sherloc (09022015). Collection method: clinical testing. Allele origin: germline.
Comment: Advanced modeling of protein sequence and biophysical properties (such as structural, functional, and spatial information, amino acid conservation, physicochemical variation, residue mobility, and thermodynamic stability) performed at Invitae indicates that this missense variant is expected to disrupt EEF2 protein function. In summary, the available evidence is currently insufficient to determine the role of this variant in disease. Therefore, it has been classified as a Variant of Uncertain Significance. ClinVar contains an entry for this variant (Variation ID: 2025074). This variant has not been reported in the literature in individuals affected with EEF2-related conditions. This variant is not present in population databases (gnomAD no frequency). This sequence change replaces arginine, which is basic and polar, with histidine, which is basic and polar, at codon 150 of the EEF2 protein (p.Arg150His).

NM_001961.4(EEF2):c.449G>A (p.Arg150His)

Gene: EEF2 (eukaryotic translation elongation factor 2; minus strand). Cytogenetic location: 19p13.3.
Variant type: single nucleotide variant.
Coding change: c.449G>A on transcript NM_001961.4 (MANE Select); coding-DNA position 449, G replaced by A.
Protein change: p.Arg150His; replaces arginine 150 with histidine.
Molecular consequence: missense variant.
Genome position (GRCh38, 1-based): chr19:3,982,970, C>T on the plus strand (G>A on the coding strand, the complement: EEF2 is on the minus strand). VCF-style: chr19-3982970-C-T. GRCh37 (hg19) VCF-style: chr19-3982968-C-T.
Other names: short protein forms R150H.
Identifiers: ClinVar variation 2025074 (VCV002025074.4), dbSNP rs2512206562, ClinGen allele CA403394881.
Genomic context (GRCh38, chr19:3,982,970, plus strand): 5'-TCCAGCTGCAGCTCCAGCAGGGCGCGGTCCATCTTGTTCATCATCAGCACAGGCTTGATG[C>T]GCTCGGCAATGGCCTGCCGCAGCACTGTCTCCGTCTGCACGCACACGCCTGGGGACACGG-3'
Protein context (NP_001952.1, residues 140-160): ETVLRQAIAE[Arg150His]IKPVLMMNKM